The following is an entry in ClinVar:

NM_000038.6(APC):c.1804A>T (p.Asn602Tyr)

Gene: APC (APC regulator of Wnt signaling pathway; plus strand). Cytogenetic location: 5q22.2.
Variant type: single nucleotide variant.
Coding change: c.1804A>T on transcript NM_000038.6 (MANE Select); coding-DNA position 1804, A replaced by T.
Protein change: p.Asn602Tyr; replaces asparagine 602 with tyrosine.
Molecular consequence: missense variant.
Genome position (GRCh38, 1-based): chr5:112,835,011, A>T. VCF-style: chr5-112835011-A-T. GRCh37 (hg19) VCF-style: chr5-112170708-A-T.
Other names: c.1804A>T, p.Asn602Tyr (NM_001127510.3, NM_001354895.2); c.1750A>T, p.Asn584Tyr (NM_001127511.3); c.1858A>T, p.Asn620Tyr (NM_001354896.2); c.1834A>T, p.Asn612Tyr (NM_001354897.2); c.1681A>T, p.Asn561Tyr (NM_001354900.2); c.1627A>T, p.Asn543Tyr (NM_001354901.2); c.1531A>T, p.Asn511Tyr (NM_001354902.2); c.1501A>T, p.Asn501Tyr (NM_001354903.2); and 5 more; short protein forms N319Y, N442Y, N476Y, N501Y, N511Y, N543Y, N561Y, N574Y.
Identifiers: ClinVar variation 1339846 (VCV001339846.4), dbSNP rs2149841715, ClinGen allele CA16025268.

ClinVar aggregate classification (germline): Uncertain significance (1 of 4 stars; one submission).

Conditions:
APC-Associated Polyposis Disorders.
Familial adenomatous polyposis 1 (FAP1). Also called: POLYPOSIS, ADENOMATOUS INTESTINAL; FAMILIAL ADENOMATOUS POLYPOSIS 1, ATTENUATED. Identifiers: MedGen C2713442, MONDO:0021056, OMIM 175100. Disease mechanism: loss of function.

Submission:

Labcorp Genetics (formerly Invitae), Labcorp
Classification: Uncertain significance for Familial adenomatous polyposis 1. Last evaluated: 2025-06-17. Review status: criteria provided, single submitter. Criteria: Invitae Variant Classification Sherloc (09022015). Collection method: clinical testing. Allele origin: germline.
Comment: This sequence change replaces asparagine, which is neutral and polar, with tyrosine, which is neutral and polar, at codon 602 of the APC protein (p.Asn602Tyr). This variant is not present in population databases (gnomAD no frequency). This variant has not been reported in the literature in individuals affected with APC-related conditions. ClinVar contains an entry for this variant (Variation ID: 1339846). Invitae Evidence Modeling of protein sequence and biophysical properties (such as structural, functional, and spatial information, amino acid conservation, physicochemical variation, residue mobility, and thermodynamic stability) has been performed for this missense variant. However, the output from this modeling did not meet the statistical confidence thresholds required to predict the impact of this variant on APC protein function. In summary, the available evidence is currently insufficient to determine the role of this variant in disease. Therefore, it has been classified as a Variant of Uncertain Significance.